The following is an entry in ClinVar:

NM_000136.3(FANCC):c.202G>A (p.Gly68Ser)

Gene: FANCC (FA complementation group C; minus strand). Cytogenetic location: 9q22.32.
Variant type: single nucleotide variant.
Coding change: c.202G>A on transcript NM_000136.3 (MANE Select); coding-DNA position 202, G replaced by A.
Protein change: p.Gly68Ser; replaces glycine 68 with serine.
Molecular consequence: missense variant.
Genome position (GRCh38, 1-based): chr9:95,247,480, C>T on the plus strand (G>A on the coding strand, the complement: FANCC is on the minus strand). VCF-style: chr9-95247480-C-T. GRCh37 (hg19) VCF-style: chr9-98009762-C-T.
Other names: c.202G>A (NM_000136.2); c.202G>A, p.Gly68Ser (NM_001243743.2, NM_001243744.2); short protein forms G68S.
Identifiers: ClinVar variation 584742 (VCV000584742.3), dbSNP rs777111154, ClinGen allele CA374340090.

ClinVar aggregate classification (germline): Uncertain significance. Review status: criteria provided, multiple submitters, no conflicts (2 of 4 stars). 2 submissions from 2 submitters: Uncertain significance (2). Last evaluated 2024-03-27.

Conditions:
Fanconi anemia complementation group C (FANCC). Also called: FANCONI PANCYTOPENIA, TYPE 3; FACC; Fanconi anemia, group C; FANCC-Related Fanconi Anemia. Identifiers: Orphanet 84, MedGen C3468041, MONDO:0009213, OMIM 227645.

Submissions (2):

GeneDx
Classification: Uncertain significance. Last evaluated: 2024-03-27. Review status: criteria provided, single submitter. Criteria: GeneDx Variant Classification Process June 2021. Collection method: clinical testing. Allele origin: germline. Affected: yes.
Comment: Not observed at significant frequency in large population cohorts (gnomAD); In silico analysis supports that this missense variant has a deleterious effect on protein structure/function; Identified in an individual with breast cancer (PMID: 35264596); This variant is associated with the following publications: (PMID: Gordon2000[Book], 35264596)

Mendelics
Classification: Uncertain significance for Fanconi anemia, complementation group C. Last evaluated: 2018-07-02. Review status: criteria provided, single submitter. Criteria: Mendelics Assertion Criteria 2017. Collection method: clinical testing. Allele origin: unknown.